The following is an entry in ClinVar:

ClinVar aggregate classification (germline): Uncertain significance. Review status: criteria provided, multiple submitters, no conflicts (2 of 4 stars). 3 submissions from 3 submitters: Uncertain significance (3). Last evaluated 2023-12-05.

Conditions:
Fanconi anemia complementation group J. Also called: BRIP1-Related Fanconi Anemia. Identifiers: Orphanet 84, MedGen C1836860, MONDO:0012187, OMIM 609054.
Familial cancer of breast. Also called: BREAST CANCER, FAMILIAL; hereditary breast carcinoma; Hereditary breast cancer. Identifiers: Orphanet 227535, MedGen C0346153, MONDO:0016419, OMIM 114480. Disease mechanism: loss of function.
Hereditary cancer-predisposing syndrome. Also called: Tumor predisposition; Neoplastic Syndromes, Hereditary; Hereditary Cancer Syndrome; Hereditary neoplastic syndrome. Identifiers: Orphanet 140162, MedGen C0027672, MeSH D009386, MONDO:0015356.

Allele frequency attached by ClinVar (database versions not stated): gnomAD exomes below 0.00001 and 0.00001; ExAC 0.00001.
gnomAD v4.1: 3 of 1,613,248 alleles (0.00019%); highest among the groups gnomAD compares: South Asian, 0.0033%; no homozygotes.

Submissions (3):

Color Diagnostics, LLC DBA Color Health
Classification: Uncertain significance for Hereditary cancer-predisposing syndrome. Last evaluated: 2023-12-05. Review status: criteria provided, single submitter. Criteria: ACMG Guidelines, 2015. Collection method: clinical testing. Allele origin: germline.
Comment: This missense variant replaces lysine with glutamine at codon 703 of the BRIP1 protein. Computational prediction is inconclusive regarding the impact of this variant on protein structure and function (internally defined REVEL score threshold 0.5 < inconclusive < 0.7, PMID: 27666373). To our knowledge, functional studies have not been reported for this variant. This variant has not been reported in individuals affected with BRIP1-related disorders in the literature. This variant has been identified in 2/250894 chromosomes in the general population by the Genome Aggregation Database (gnomAD). The available evidence is insufficient to determine the role of this variant in disease conclusively. Therefore, this variant is classified as a Variant of Uncertain Significance.

Labcorp Genetics (formerly Invitae), Labcorp
Classification: Uncertain significance for Familial cancer of breast; Fanconi anemia complementation group J. Last evaluated: 2023-08-17. Review status: criteria provided, single submitter. Criteria: Invitae Variant Classification Sherloc (09022015). Collection method: clinical testing. Allele origin: germline.
Comment: ClinVar contains an entry for this variant (Variation ID: 489822). This variant has not been reported in the literature in individuals affected with BRIP1-related conditions. In summary, the available evidence is currently insufficient to determine the role of this variant in disease. Therefore, it has been classified as a Variant of Uncertain Significance. Advanced modeling of protein sequence and biophysical properties (such as structural, functional, and spatial information, amino acid conservation, physicochemical variation, residue mobility, and thermodynamic stability) performed at Invitae indicates that this missense variant is expected to disrupt BRIP1 protein function. This variant is present in population databases (rs762590242, gnomAD 0.006%). This sequence change replaces lysine, which is basic and polar, with glutamine, which is neutral and polar, at codon 703 of the BRIP1 protein (p.Lys703Gln).

Ambry Genetics
Classification: Uncertain significance for Hereditary cancer-predisposing syndrome. Last evaluated: 2022-04-16. Review status: criteria provided, single submitter. Criteria: Ambry Variant Classification Scheme 2023. Collection method: clinical testing. Allele origin: germline.
Comment: The p.K703Q variant (also known as c.2107A>C), located in coding exon 14 of the BRIP1 gene, results from an A to C substitution at nucleotide position 2107. The lysine at codon 703 is replaced by glutamine, an amino acid with similar properties. This amino acid position is highly conserved in available vertebrate species. In addition, the in silico prediction for this alteration is inconclusive. Since supporting evidence is limited at this time, the clinical significance of this alteration remains unclear.

NM_032043.3(BRIP1):c.2107A>C (p.Lys703Gln)

Gene: BRIP1 (BRCA1 interacting DNA helicase 1; minus strand). Cytogenetic location: 17q23.2.
Variant type: single nucleotide variant.
Coding change: c.2107A>C on transcript NM_032043.3 (MANE Select); coding-DNA position 2107, A replaced by C.
Protein change: p.Lys703Gln; replaces lysine 703 with glutamine.
Molecular consequence: missense variant.
Genome position (GRCh38, 1-based): chr17:61,744,582, T>G on the plus strand (A>C on the coding strand, the complement: BRIP1 is on the minus strand). VCF-style: chr17-61744582-T-G. GRCh37 (hg19) VCF-style: chr17-59821943-T-G.
Other names: short protein forms K703Q.
Identifiers: ClinVar variation 489822 (VCV000489822.20), dbSNP rs762590242, ClinGen allele CA8690590.
Genomic context (GRCh38, chr17:61,744,582, plus strand): 5'-CTGTCTTCACCAACTCCAGATTATGCCATAAACCAGTAGAGAGCCAACGTTCTTTTAATT[T>G]TTCTAATAACTAAAGAGGGGAAAGAAAAAAATGATTTTTTGTGTGTCTAGCTAAACAAAC-3'
Protein context (NP_114432.2, residues 693-713): CFLPSYKLLE[Lys703Gln]LKERWLSTGL